The following is an entry in ClinVar:

ClinVar aggregate classification (germline): Likely pathogenic (1 of 4 stars; one submission).

Conditions:
Childhood apraxia of speech (SPCH1). Also called: Speech language disorder; FOXP2-Related Speech and Language Disorder; DEVELOPMENTAL VERBAL DYSPRAXIA; SPEECH AND LANGUAGE DISORDER WITH OROFACIAL DYSPRAXIA. Identifiers: Orphanet 209908, MedGen C0750927, MONDO:0011184, OMIM 602081.

Submission:

3billion
Classification: Likely pathogenic for Childhood apraxia of speech. Last evaluated: 2025-12-01. Review status: criteria provided, single submitter. Criteria: ACMG Guidelines, 2015. Collection method: clinical testing. Allele origin: germline. Affected: yes.
Comment: The variant is not observed in the gnomAD v4.1.0 dataset. Predicted Consequence/Location: Frameshift: predicted to result in a loss or disruption of normal protein function through nonsense-mediated decay (NMD) or protein truncation. Multiple pathogenic variants are reported downstream of the variant. Therefore, this variant is classified as Likely pathogenic according to the recommendation of ACMG/AMP guideline.

NM_014491.4(FOXP2):c.985_986dup (p.Asp329fs)

Gene: FOXP2 (forkhead box P2; plus strand). Cytogenetic location: 7q31.1.
Variant type: Microsatellite.
Coding change: c.985_986dup on transcript NM_014491.4 (MANE Select); coding-DNA positions 985 to 986, 2 bases duplicated (GA; older notation c.985_986dupGA).
Protein change: p.Asp329fs; shifts the reading frame from aspartic acid 329.
Molecular consequence: frameshift variant. On other transcripts: non-coding transcript variant (2).
Genome position (GRCh38, 1-based): chr7:114,642,619-114,642,620, GA duplicated; duplicating any 2 consecutive bases within chr7:114,642,617-114,642,620 gives the same sequence; the c. name uses the placement nearest the transcript's 3' end. VCF-style (leftmost placement, unchanged base first): chr7-114642616-C-CGA. GRCh37 (hg19) VCF-style: chr7-114282671-C-CGA.
Other names: c.985_986dup, p.Asp329fs (NM_148899.3); c.1036_1037dup, p.Asp346fs (NM_148900.4); c.982_983dup, p.Asp328fs (NM_001172766.3); c.1060_1061dup, p.Asp354fs (NM_001172767.2, NM_148898.4); short protein forms D328fs, D329fs, D346fs, D354fs.
Identifiers: ClinVar variation 4856304 (VCV004856304.1).